The following is an entry in ClinVar:

ClinVar aggregate classification (germline): Conflicting classifications of pathogenicity. Review status: criteria provided, conflicting classifications (1 of 4 stars). 2 submissions from 2 submitters: Uncertain significance (1); Likely benign (1). Last evaluated 2024-09-20.

Conditions:
Inborn genetic diseases. Identifiers: MedGen C0950123, MeSH D030342.
Pseudohypoaldosteronism, type IB1, autosomal recessive. Also called: PHA I, AUTOSOMAL RECESSIVE; Pseudohypoaldosteronism, Type I, Autosomal Recessive; Autosomal recessive pseudohypoaldosteronism type 1; Pseudohypoaldosteronism, Type I, Recessive. Identifiers: Orphanet 171876, Orphanet 756, MedGen C5774176, MONDO:0009917, OMIM 264350.

Allele frequency attached by ClinVar (database versions not stated): gnomAD 0.00003; TOPMed 0.00006; ESP Exome Variant Server 0.00008; ExAC 0.00009.
gnomAD v4.1: 52 of 1,584,704 alleles (0.0033%); highest among the groups gnomAD compares: South Asian, 0.015%; no homozygotes.

Submissions (2):

3billion
Classification: Likely benign for Pseudohypoaldosteronism, type IB1, autosomal recessive. Last evaluated: 2024-09-20. Review status: criteria provided, single submitter. Criteria: ACMG Guidelines, 2015. Collection method: clinical testing. Allele origin: germline. Affected: no.
Comment: The homozygous variant was found in patients diagnosed with another variant in a different gene, with no symptoms related to the gene containing the homozygous variant.

Ambry Genetics
Classification: Uncertain significance for Inborn genetic diseases. Last evaluated: 2024-08-20. Review status: criteria provided, single submitter. Criteria: Ambry Variant Classification Scheme 2023. Collection method: clinical testing. Allele origin: germline.

NM_001038.6(SCNN1A):c.1949G>A (p.Arg650His)

Gene: SCNN1A (sodium channel epithelial 1 subunit alpha; minus strand). Cytogenetic location: 12p13.31.
Variant type: single nucleotide variant.
Coding change: c.1949G>A on transcript NM_001038.6 (MANE Select); coding-DNA position 1949, G replaced by A.
Protein change: p.Arg650His; replaces arginine 650 with histidine.
Molecular consequence: missense variant.
Genome position (GRCh38, 1-based): chr12:6,347,934, C>T on the plus strand (G>A on the coding strand, the complement: SCNN1A is on the minus strand). VCF-style: chr12-6347934-C-T. GRCh37 (hg19) VCF-style: chr12-6457100-C-T.
Other names: c.2018G>A, p.Arg673His (NM_001159575.2); c.2126G>A, p.Arg709His (NM_001159576.2); short protein forms R709H, R650H, R673H.
Identifiers: ClinVar variation 2206584 (VCV002206584.4), dbSNP rs367681929, ClinGen allele CA6405679.